The following is an entry in ClinVar:

ClinVar aggregate classification (germline): Likely benign. Review status: criteria provided, single submitter (1 of 4 stars). 2 submissions from 2 submitters: Likely benign (1). 1 of the submissions does not count toward it. Last evaluated 2026-05-08.

Conditions:
RREB1-related disorder. Also called: RREB1-related condition.

Allele frequency attached by ClinVar (database versions not stated): 1000 Genomes Project 30x 0.12976; 1000 Genomes Project 0.12740; ESP Exome Variant Server 0.17515.
gnomAD v4.1: 265,489 of 1,613,522 alleles (16%); highest among the groups gnomAD compares: African/African-American, 21%; 24,054 homozygotes.

Submissions (2):

Women's Health and Genetics/Laboratory Corporation of America, LabCorp
Classification: Likely benign. Last evaluated: 2026-05-08. Review status: criteria provided, single submitter. Criteria: LabCorp Variant Classification Summary - May 2015. Collection method: clinical testing. Allele origin: germline.

PreventionGenetics, part of Exact Sciences
Classification: Benign for RREB1-related condition. Last evaluated: 2019-11-25. Review status: no assertion criteria provided. Collection method: clinical testing. Allele origin: germline. Not counted in ClinVar's aggregate classification.
Comment: This variant is classified as benign based on ACMG/AMP sequence variant interpretation guidelines (Richards et al. 2015 PMID: 25741868, with internal and published modifications).

NM_001003699.4(RREB1):c.4661C>A (p.Ser1554Tyr)

Gene: RREB1 (ras responsive element binding protein 1; plus strand). Cytogenetic location: 6p24.3.
Variant type: single nucleotide variant.
Coding change: c.4661C>A on transcript NM_001003699.4 (MANE Select); coding-DNA position 4661, C replaced by A.
Protein change: p.Ser1554Tyr; replaces serine 1554 with tyrosine.
Molecular consequence: missense variant. On other transcripts: intron variant (1).
Genome position (GRCh38, 1-based): chr6:7,247,111, C>A. VCF-style: chr6-7247111-C-A. GRCh37 (hg19) VCF-style: chr6-7247344-C-A.
Other names: c.4496C>A, p.Ser1499Tyr (NM_001168344.2, NM_001003698.4); c.3974-1400C>A (NM_001003700.2); short protein forms S1499Y, S1554Y.
Identifiers: ClinVar variation 3055517 (VCV003055517.3), dbSNP rs35742417, ClinGen allele CA3626534.